The following is an entry in ClinVar:

NM_000843.4(GRM6):c.1487C>T (p.Thr496Ile)

Genes: GRM6 (glutamate metabotropic receptor 6; minus strand), ZNF454 (zinc finger protein 454; plus strand). Cytogenetic location: 5q35.3.
Variant type: single nucleotide variant.
Coding change: c.1487C>T on transcript NM_000843.4 (MANE Select); coding-DNA position 1487, C replaced by T.
Protein change: p.Thr496Ile; replaces threonine 496 with isoleucine.
Molecular consequence: missense variant.
Genome position (GRCh38, 1-based): chr5:178,986,851, G>A on the plus strand (C>T on the coding strand, the complement: GRM6 is on the minus strand). VCF-style: chr5-178986851-G-A. GRCh37 (hg19) VCF-style: chr5-178413852-G-A.
Other names: short protein forms T496I.
Identifiers: ClinVar variation 958311 (VCV000958311.9), dbSNP rs1445704777, ClinGen allele CA362428659.

ClinVar aggregate classification (germline): Uncertain significance (1 of 4 stars; one submission).

Allele frequency attached by ClinVar (database versions not stated): TOPMed below 0.00001; gnomAD 0.00001.
gnomAD v4.1: 3 of 1,613,824 alleles (0.00019%); highest among the groups gnomAD compares: Admixed American, 0.0033%; no homozygotes.

Submission:

Labcorp Genetics (formerly Invitae), Labcorp
Classification: Uncertain significance. Last evaluated: 2022-10-13. Review status: criteria provided, single submitter. Criteria: Invitae Variant Classification Sherloc (09022015). Collection method: clinical testing. Allele origin: germline.
Comment: This sequence change replaces threonine, which is neutral and polar, with isoleucine, which is neutral and non-polar, at codon 496 of the GRM6 protein (p.Thr496Ile). This variant is present in population databases (no rsID available, gnomAD 0.003%). This variant has not been reported in the literature in individuals affected with GRM6-related conditions. ClinVar contains an entry for this variant (Variation ID: 958311). Advanced modeling of protein sequence and biophysical properties (such as structural, functional, and spatial information, amino acid conservation, physicochemical variation, residue mobility, and thermodynamic stability) performed at Invitae indicates that this missense variant is not expected to disrupt GRM6 protein function. In summary, the available evidence is currently insufficient to determine the role of this variant in disease. Therefore, it has been classified as a Variant of Uncertain Significance.